The following is an entry in ClinVar:

ClinVar aggregate classification (germline): Uncertain significance. Review status: criteria provided, multiple submitters, no conflicts (2 of 4 stars). 2 submissions from 2 submitters: Uncertain significance (2). Last evaluated 2023-10-13.

Conditions:
Episodic ataxia type 2 (EA2). Also called: ACETAZOLAMIDE-RESPONSIVE HEREDITARY PAROXYSMAL CEREBELLAR ATAXIA; EPISODIC ATAXIA, NYSTAGMUS-ASSOCIATED; ATAXIA, EPISODIC, WITH NYSTAGMUS; ATAXIA, FAMILIAL PAROXYSMAL; CEREBELLAR ATAXIA, PAROXYSMAL, ACETAZOLAMIDE-RESPONSIVE; CEREBELLOPATHY, HEREDITARY PAROXYSMAL. Identifiers: Orphanet 97, MedGen C1720416, MONDO:0007163, OMIM 108500.
Developmental and epileptic encephalopathy, 42 (DEE42A). Also called: DEVELOPMENTAL AND EPILEPTIC ENCEPHALOPATHY 42A; EPILEPTIC ENCEPHALOPATHY, EARLY INFANTILE, 42A; Epileptic encephalopathy, early infantile, 42. Identifiers: MedGen C4310716, MONDO:0014917, OMIM 617106.

Allele frequency attached by ClinVar (database versions not stated): gnomAD exomes below 0.00001.
gnomAD v4.1: 4 of 1,460,988 alleles (0.00027%); highest among the groups gnomAD compares: Non-Finnish European, 0.00027%; no homozygotes.

Submissions (2):

Labcorp Genetics (formerly Invitae), Labcorp
Classification: Uncertain significance for Developmental and epileptic encephalopathy, 42; Episodic ataxia type 2. Last evaluated: 2023-10-13. Review status: criteria provided, single submitter. Criteria: Invitae Variant Classification Sherloc (09022015). Collection method: clinical testing. Allele origin: germline.
Comment: This sequence change replaces alanine, which is neutral and non-polar, with valine, which is neutral and non-polar, at codon 978 of the CACNA1A protein (p.Ala978Val). This variant is not present in population databases (gnomAD no frequency). This variant has not been reported in the literature in individuals affected with CACNA1A-related conditions. ClinVar contains an entry for this variant (Variation ID: 1204561). Advanced modeling of protein sequence and biophysical properties (such as structural, functional, and spatial information, amino acid conservation, physicochemical variation, residue mobility, and thermodynamic stability) performed at Invitae indicates that this missense variant is not expected to disrupt CACNA1A protein function. In summary, the available evidence is currently insufficient to determine the role of this variant in disease. Therefore, it has been classified as a Variant of Uncertain Significance.

GeneDx
Classification: Uncertain significance. Last evaluated: 2019-04-04. Review status: criteria provided, single submitter. Criteria: GeneDx Variant Classification Process June 2021. Collection method: clinical testing. Allele origin: germline. Affected: yes.
Comment: Not observed in large population cohorts (Lek et al., 2016); In silico analysis, which includes protein predictors and evolutionary conservation, supports that this variant does not alter protein structure/function; Has not been previously published as pathogenic or benign to our knowledge

NM_001127222.2(CACNA1A):c.2930C>T (p.Ala977Val)

Gene: CACNA1A (calcium voltage-gated channel subunit alpha1 A; minus strand). Cytogenetic location: 19p13.13.
Variant type: single nucleotide variant.
Coding change: c.2930C>T on transcript NM_001127222.2 (MANE Select); coding-DNA position 2930, C replaced by T.
Protein change: p.Ala977Val; replaces alanine 977 with valine.
Molecular consequence: missense variant.
Genome position (GRCh38, 1-based): chr19:13,298,703, G>A on the plus strand (C>T on the coding strand, the complement: CACNA1A is on the minus strand). VCF-style: chr19-13298703-G-A. GRCh37 (hg19) VCF-style: chr19-13409517-G-A.
Other names: c.2942C>T, p.Ala981Val (NM_000068.4, NM_023035.3); c.2933C>T, p.Ala978Val (NM_001127221.2, NM_001174080.2); short protein forms A977V, A978V, A981V.
Identifiers: ClinVar variation 1204561 (VCV001204561.11), dbSNP rs1432898385, ClinGen allele CA404342421.